The following is an entry in ClinVar:

ClinVar aggregate classification (germline): Likely benign (1 of 4 stars; one submission).

gnomAD v4.1: 1 of 1,614,240 alleles (0.000062%); highest among the groups gnomAD compares: Non-Finnish European, 0.000085%; no homozygotes.

Submission:

CeGaT Center for Human Genetics Tuebingen
Classification: Likely benign. Last evaluated: 2026-01-01. Review status: criteria provided, single submitter. Criteria: CeGaT Center For Human Genetics Tuebingen Variant Classification Criteria Version 2. Collection method: clinical testing. Allele origin: germline. Affected: yes. Observed: 1 variant allele.
Comment: SCNN1G: BP4, BP7

NM_001039.4(SCNN1G):c.144C>T (p.Arg48=)

Gene: SCNN1G (sodium channel epithelial 1 subunit gamma; plus strand). Cytogenetic location: 16p12.2.
Variant type: single nucleotide variant.
Coding change: c.144C>T on transcript NM_001039.4 (MANE Select); coding-DNA position 144, C replaced by T.
Protein change: p.Arg48=; no amino-acid change (arginine 48 retained).
Molecular consequence: synonymous variant.
Genome position (GRCh38, 1-based): chr16:23,186,415, C>T. VCF-style: chr16-23186415-C-T. GRCh37 (hg19) VCF-style: chr16-23197736-C-T.
Identifiers: ClinVar variation 4822521 (VCV004822521.4).